The following is an entry in ClinVar:

ClinVar aggregate classification (germline): Uncertain significance. Review status: criteria provided, multiple submitters, no conflicts (2 of 4 stars). 3 submissions from 3 submitters: Uncertain significance (2). 1 of the submissions does not count toward it. Last evaluated 2020-08-08.

Conditions:
MYH7-related disorder. Also called: MYH7-related disorders; MYH7-related condition; MYH7-related disease.
Cardiovascular phenotype. Identifiers: MedGen CN230736.
Hypertrophic cardiomyopathy. Also called: HYPERTROPHIC MYOCARDIOPATHY. Identifiers: Orphanet 217569, MedGen C0007194, MeSH D002312, MONDO:0005045, HP:0001639.

Allele frequency attached by ClinVar (database versions not stated): gnomAD exomes below 0.00001.
gnomAD v4.1: 1 of 1,614,136 alleles (0.000062%); highest among the groups gnomAD compares: Middle Eastern, 0.016%; no homozygotes.

Submissions (3):

Ambry Genetics
Classification: Uncertain significance for Cardiovascular phenotype. Last evaluated: 2020-08-08. Review status: criteria provided, single submitter. Criteria: Ambry Variant Classification Scheme 2023. Collection method: clinical testing. Allele origin: germline.
Comment: The p.A1487V variant (also known as c.4460C>T), located in coding exon 30 of the MYH7 gene, results from a C to T substitution at nucleotide position 4460. The alanine at codon 1487 is replaced by valine, an amino acid with similar properties. This amino acid position is well conserved in available vertebrate species. In addition, the in silico prediction for this alteration is inconclusive. Since supporting evidence is limited at this time, the clinical significance of this alteration remains unclear.

Labcorp Genetics (formerly Invitae), Labcorp
Classification: Uncertain significance for Hypertrophic cardiomyopathy. Last evaluated: 2018-09-05. Review status: criteria provided, single submitter. Criteria: Invitae Variant Classification Sherloc (09022015). Collection method: clinical testing. Allele origin: germline.
Comment: This sequence change replaces alanine with valine at codon 1487 of the MYH7 protein (p.Ala1487Val). The alanine residue is highly conserved and there is a small physicochemical difference between alanine and valine. In summary, the available evidence is currently insufficient to determine the role of this variant in disease. Therefore, it has been classified as a Variant of Uncertain Significance. Algorithms developed to predict the effect of missense changes on protein structure and function are either unavailable or do not agree on the potential impact of this missense change (SIFT: "Deleterious"; PolyPhen-2: "Possibly Damaging"; Align-GVGD: "Class C0"). This variant has not been reported in the literature in individuals with MYH7-related disease. This variant is not present in population databases (ExAC no frequency).

PreventionGenetics, part of Exact Sciences
Classification: Uncertain significance for MYH7-related condition. Last evaluated: 2024-05-17. Review status: no assertion criteria provided. Collection method: clinical testing. Allele origin: germline. Not counted in ClinVar's aggregate classification.
Comment: The MYH7 c.4460C>T variant is predicted to result in the amino acid substitution p.Ala1487Val. To our knowledge, this variant has not been reported in the literature or in a large population database, indicating this variant is rare. A different substitution at this same position (c.4459G>A, p.Ala1487Thr) has been reported in a patient with limb girdle muscular dystrophy; however, this patient also had two variants in DYSF (Table 1. Fichna et al 2018. PubMed ID: 29970176). At this time, the clinical significance of this variant is uncertain due to the absence of conclusive functional and genetic evidence.

NM_000257.4(MYH7):c.4460C>T (p.Ala1487Val)

Genes: MHRT (myosin heavy chain associated RNA transcript; plus strand), MYH7 (myosin heavy chain 7; minus strand). Cytogenetic location: 14q11.2.
Variant type: single nucleotide variant.
Coding change: c.4460C>T on transcript NM_000257.4 (MANE Select); coding-DNA position 4460, C replaced by T.
Protein change: p.Ala1487Val; replaces alanine 1487 with valine.
Molecular consequence: missense variant. On other transcripts: non-coding transcript variant (1).
Genome position (GRCh38, 1-based): chr14:23,417,212, G>A on the plus strand (C>T on the coding strand, the complement: MYH7 is on the minus strand). VCF-style: chr14-23417212-G-A. GRCh37 (hg19) VCF-style: chr14-23886421-G-A.
Other names: short protein forms A1487V.
Identifiers: ClinVar variation 654831 (VCV000654831.11), dbSNP rs1595074732, ClinGen allele CA389038364.